The following is an entry in ClinVar:

ClinVar aggregate classification (germline): Pathogenic (1 of 4 stars; one submission).

Allele frequency attached by ClinVar (database versions not stated): gnomAD exomes below 0.00001.

Submission:

Labcorp Genetics (formerly Invitae), Labcorp
Classification: Pathogenic. Last evaluated: 2023-10-13. Review status: criteria provided, single submitter. Criteria: Invitae Variant Classification Sherloc (09022015). Collection method: clinical testing. Allele origin: germline.
Comment: This sequence change creates a premature translational stop signal (p.Leu274Profs*7) in the LPL gene. It is expected to result in an absent or disrupted protein product. Loss-of-function variants in LPL are known to be pathogenic (PMID: 11334614). This variant is not present in population databases (gnomAD no frequency). This variant has not been reported in the literature in individuals affected with LPL-related conditions. Algorithms developed to predict the effect of sequence changes on RNA splicing suggest that this variant may disrupt the consensus splice site. For these reasons, this variant has been classified as Pathogenic.

Literature cited by the submitters: PubMed 11334614.

NM_000237.3(LPL):c.821del (p.Leu274fs)

Gene: LPL (lipoprotein lipase; plus strand). Cytogenetic location: 8p21.3.
Variant type: Deletion.
Coding change: c.821del on transcript NM_000237.3 (MANE Select); coding-DNA position 821, one base deleted (T; older notation c.821delT).
Protein change: p.Leu274fs; shifts the reading frame from leucine 274.
Molecular consequence: frameshift variant.
Genome position (GRCh38, 1-based): chr8:19,955,886, T deleted. VCF-style (leftmost placement, unchanged base first): chr8-19955885-CT-C. GRCh37 (hg19) VCF-style: chr8-19813396-CT-C.
Other names: short protein forms L274fs.
Identifiers: ClinVar variation 2768165 (VCV002768165.3), dbSNP rs2540107104, ClinGen allele CA2686360622.
Genomic context (GRCh38, chr8:19,955,885, plus strand): 5'-TCTCTTTTTTACCCAGATGTGGACCAGCTAGTGAAGTGCTCCCACGAGCGCTCCATTCAT[CT>C]CTTCATCGACTCTCTGTTGAATGAAGAAAATCCAAGTAAGGCCTACAGGTGCAGTTCCAA-3'